The following is an entry in ClinVar:

NM_001365951.3(KIF1B):c.5305_5306delinsAA (p.Ala1769Asn)

Gene: KIF1B (kinesin family member 1B; plus strand). Cytogenetic location: 1p36.22.
Variant type: Indel.
Coding change: c.5305_5306delinsAA on transcript NM_001365951.3 (MANE Select); coding-DNA positions 5305 to 5306, GC replaced by AA.
Protein change: p.Ala1769Asn; replaces alanine 1769 with asparagine.
Molecular consequence: missense variant.
Genome position (GRCh38, 1-based): chr1:10,375,270-10,375,271, GC replaced by AA. VCF-style: chr1-10375270-GC-AA. GRCh37 (hg19) VCF-style: chr1-10435328-GC-AA.
Other names: c.5305_5306delinsAA, p.Ala1769Asn (NM_001365952.1); c.5167_5168delinsAA, p.Ala1723Asn (NM_015074.3); c.5167_5168delGCinsAA (NM_015074.3); short protein forms A1723N, A1769N.
Identifiers: ClinVar variation 2448754 (VCV002448754.4), dbSNP rs2521986138, ClinGen allele CA2580060469.

ClinVar aggregate classification (germline): Uncertain significance. Review status: criteria provided, multiple submitters, no conflicts (2 of 4 stars). 2 submissions from 2 submitters: Uncertain significance (2). Last evaluated 2025-11-16.

Conditions:
Charcot-Marie-Tooth disease type 2. Also called: Charcot-Marie-Tooth type 2. Identifiers: Orphanet 64746, MedGen C0270914, MONDO:0018993.

Submissions (2):

Labcorp Genetics (formerly Invitae), Labcorp
Classification: Uncertain significance for Charcot-Marie-Tooth disease type 2. Last evaluated: 2025-11-16. Review status: criteria provided, single submitter. Criteria: Invitae Variant Classification Sherloc (09022015). Collection method: clinical testing. Allele origin: germline.
Comment: This sequence change replaces alanine, which is neutral and non-polar, with asparagine, which is neutral and polar, at codon 1723 of the KIF1B protein (p.Ala1723Asn). This variant is present in population databases (no rsID available, gnomAD 0.0007%). This variant has not been reported in the literature in individuals affected with KIF1B-related conditions. ClinVar contains an entry for this variant (Variation ID: 2448754). An algorithm developed to predict the effect of missense changes on protein structure and function (PolyPhen-2) suggests that this variant is likely to be tolerated. In summary, the available evidence is currently insufficient to determine the role of this variant in disease. Therefore, it has been classified as a Variant of Uncertain Significance.

Ambry Genetics
Classification: Uncertain significance. Last evaluated: 2025-05-28. Review status: criteria provided, single submitter. Criteria: Ambry Variant Classification Scheme 2023. Collection method: clinical testing. Allele origin: germline.
Comment: The c.5167_5168delGCinsAA variant (also known as p.A1723N), located in coding exon 45 of the KIF1B gene, results from an in-frame deletion of GC and insertion of AA at nucleotide positions 5167 to 5168. This results in the substitution of the alanine residue for an asparagine residue at codon 1723, an amino acid with dissimilar properties. This amino acid position is well conserved in available vertebrate species. In addition, the in silico prediction for this alteration is inconclusive (Choi Y et al. PLoS ONE. 2012; 7(10):e46688). The evidence for this gene-disease relationship is limited; therefore, the clinical significance of this alteration is unclear.